The following is an entry in ClinVar:

ClinVar aggregate classification (germline): Benign. Review status: criteria provided, multiple submitters, no conflicts (2 of 4 stars). 3 submissions from 3 submitters: Benign (2). 1 of the submissions does not count toward it. Last evaluated 2026-02-01.

Conditions:
IL17RC-related disorder. Also called: IL17RC-related condition.
Candidiasis, familial, 9 (CANDF9). Identifiers: Orphanet 1334, MedGen C4225324, MONDO:0014642, OMIM 616445.

Allele frequency attached by ClinVar (database versions not stated): ExAC 0.00834; 1000 Genomes Project 30x 0.02280; 1000 Genomes Project 0.02296; gnomAD 0.02348 and 0.02548; TOPMed 0.02713; ESP Exome Variant Server 0.02960.
gnomAD v4.1: 7,428 of 1,614,114 alleles (0.46%); highest among the groups gnomAD compares: African/African-American, 8.3%; 263 homozygotes.

Submissions (3):

Labcorp Genetics (formerly Invitae), Labcorp
Classification: Benign for Candidiasis, familial, 9. Last evaluated: 2026-02-01. Review status: criteria provided, single submitter. Criteria: Invitae Variant Classification Sherloc (09022015). Collection method: clinical testing. Allele origin: germline.

Breakthrough Genomics
Classification: Benign. Review status: criteria provided, single submitter. Criteria: ACMG Guidelines, 2015. Collection method: not provided. Allele origin: germline. Inheritance: Autosomal recessive inheritance. Affected: yes.

PreventionGenetics, part of Exact Sciences
Classification: Benign for IL17RC-related condition. Last evaluated: 2019-07-08. Review status: no assertion criteria provided. Collection method: clinical testing. Allele origin: germline. Not counted in ClinVar's aggregate classification.
Comment: This variant is classified as benign based on ACMG/AMP sequence variant interpretation guidelines (Richards et al. 2015 PMID: 25741868, with internal and published modifications).

NM_153460.4(IL17RC):c.34C>T (p.Leu12=)

Gene: IL17RC (interleukin 17 receptor C; plus strand). Cytogenetic location: 3p25.3.
Variant type: single nucleotide variant.
Coding change: c.34C>T on transcript NM_153460.4 (MANE Select); coding-DNA position 34, C replaced by T.
Protein change: p.Leu12=; no amino-acid change (leucine 12 retained).
Molecular consequence: synonymous variant. On other transcripts: non-coding transcript variant (1).
Genome position (GRCh38, 1-based): chr3:9,917,349, C>T. VCF-style: chr3-9917349-C-T. GRCh37 (hg19) VCF-style: chr3-9959033-C-T.
Other names: c.34C>T, p.Leu12= (NM_001203263.2, NM_001203264.2, NM_001203265.2 and 5 more transcripts).
Identifiers: ClinVar variation 542534 (VCV000542534.14), dbSNP rs7643547, ClinGen allele CA2246639.